The following is an entry in ClinVar:

NM_000145.4(FSHR):c.152+1G>T

Gene: FSHR (follicle stimulating hormone receptor; minus strand). Cytogenetic location: 2p16.3.
Variant type: single nucleotide variant.
Coding change: c.152+1G>T on transcript NM_000145.4 (MANE Select); the canonical splice donor site of the intron after coding-DNA position 152, G replaced by T.
Molecular consequence: splice donor variant.
Genome position (GRCh38, 1-based): chr2:49,154,265, C>A on the plus strand (G>T on the coding strand, the complement: FSHR is on the minus strand). VCF-style: chr2-49154265-C-A. GRCh37 (hg19) VCF-style: chr2-49381404-C-A.
Other names: c.152+1G>T (NM_181446.3).
Identifiers: ClinVar variation 5002159 (VCV005002159.1).

ClinVar aggregate classification (germline): Uncertain significance (1 of 4 stars; one submission).

Conditions:
FSHR-related disorder. Also called: FSHR-related disorders; FSHR-related condition.

Submission:

PreventionGenetics, part of Exact Sciences
Classification: Uncertain significance for FSHR-related condition. Last evaluated: 2025-06-26. Review status: criteria provided, single submitter. Criteria: ACMG Guidelines, 2015. Collection method: clinical testing. Allele origin: germline.
Comment: The FSHR c.152+1G>T variant is predicted to disrupt the GT donor site and interfere with normal splicing. To our knowledge, this variant has not been reported in the literature or in a large population database (gnomAD), indicating this variant is rare. Although we suspect that this variant may be pathogenic, at this time, the clinical significance of this variant is uncertain due to the absence of conclusive functional and genetic evidence.